The following is an entry in ClinVar:

ClinVar aggregate classification (germline): Uncertain significance (1 of 4 stars; one submission).

Allele frequency attached by ClinVar (database versions not stated): gnomAD exomes 0.00001; gnomAD 0.00004; TOPMed 0.00004.
gnomAD v4.1: 14 of 1,613,926 alleles (0.00087%); highest among the groups gnomAD compares: African/African-American, 0.013%; no homozygotes.

Submission:

Labcorp Genetics (formerly Invitae), Labcorp
Classification: Uncertain significance. Last evaluated: 2025-03-17. Review status: criteria provided, single submitter. Criteria: Invitae Variant Classification Sherloc (09022015). Collection method: clinical testing. Allele origin: germline.
Comment: This sequence change replaces alanine, which is neutral and non-polar, with threonine, which is neutral and polar, at codon 765 of the DIP2C protein (p.Ala765Thr). This variant is present in population databases (no rsID available, gnomAD 0.02%). This variant has not been reported in the literature in individuals affected with DIP2C-related conditions. ClinVar contains an entry for this variant (Variation ID: 1924021). An algorithm developed to predict the effect of missense changes on protein structure and function (PolyPhen-2) suggests that this variant is likely to be tolerated. In summary, the available evidence is currently insufficient to determine the role of this variant in disease. Therefore, it has been classified as a Variant of Uncertain Significance.

NM_014974.3(DIP2C):c.2293G>A (p.Ala765Thr)

Genes: DIP2C (DIP2 acetate--CoA ligase C (putative); minus strand), LOC126860806 (MED14-independent group 3 enhancer GRCh37_chr10:409736-410935; plus strand). Cytogenetic location: 10p15.3.
Variant type: single nucleotide variant.
Coding change: c.2293G>A on transcript NM_014974.3 (MANE Select); coding-DNA position 2293, G replaced by A.
Protein change: p.Ala765Thr; replaces alanine 765 with threonine.
Molecular consequence: missense variant.
Genome position (GRCh38, 1-based): chr10:364,558, C>T on the plus strand (G>A on the coding strand, the complement: DIP2C is on the minus strand). VCF-style: chr10-364558-C-T. GRCh37 (hg19) VCF-style: chr10-410498-C-T.
Other names: short protein forms A765T.
Identifiers: ClinVar variation 1924021 (VCV001924021.5), dbSNP rs895444545, ClinGen allele CA201934275.